The following is an entry in ClinVar:

ClinVar aggregate classification (germline): Uncertain significance (1 of 4 stars; one submission).

Conditions:
Rhabdoid tumor predisposition syndrome 2 (RTPS2). Identifiers: Orphanet 231108, Orphanet 69077, MedGen C2750074, MONDO:0013224, OMIM 613325.

Submission:

Labcorp Genetics (formerly Invitae), Labcorp
Classification: Uncertain significance for Rhabdoid tumor predisposition syndrome 2. Last evaluated: 2025-07-31. Review status: criteria provided, single submitter. Criteria: Invitae Variant Classification Sherloc (09022015). Collection method: clinical testing. Allele origin: germline.
Comment: This sequence change affects an acceptor splice site in intron 10 of the SMARCA4 gene. RNA analysis indicates that disruption of this splice site induces altered splicing and likely results in the loss of 1 amino acid residue(s), but is expected to preserve the integrity of the reading-frame. This variant is not present in population databases (gnomAD no frequency). This variant has not been reported in the literature in individuals affected with SMARCA4-related conditions. ClinVar contains an entry for this variant (Variation ID: 1068351). Studies have shown that disruption of this splice site results in the activation of a cryptic splice site in 11 (internal data). In summary, the available evidence is currently insufficient to determine the role of this variant in disease. Therefore, it has been classified as a Variant of Uncertain Significance.

NM_003072.5(SMARCA4):c.1762-1G>A

Gene: SMARCA4 (SWI/SNF related BAF chromatin remodeling complex subunit ATPase 4; plus strand). Cytogenetic location: 19p13.2.
Variant type: single nucleotide variant.
Coding change: c.1762-1G>A on transcript NM_003072.5 (MANE Select); the canonical splice acceptor site of the intron before coding-DNA position 1762, G replaced by A.
Molecular consequence: splice acceptor variant.
Genome position (GRCh38, 1-based): chr19:10,996,493, G>A. VCF-style: chr19-10996493-G-A. GRCh37 (hg19) VCF-style: chr19-11107169-G-A.
Other names: c.1762-1G>A (NM_001128844.3, NM_001128849.3, NM_001128847.4 and 6 more transcripts).
Identifiers: ClinVar variation 1068351 (VCV001068351.7), dbSNP rs2145980126, ClinGen allele CA404064700.